The following is an entry in ClinVar:

ClinVar aggregate classification (germline): Pathogenic/Likely pathogenic. Review status: criteria provided, multiple submitters, no conflicts (2 of 4 stars). 3 submissions from 3 submitters: Pathogenic (2); Likely pathogenic (1). Last evaluated 2022-01-21.

Conditions:
Breast-ovarian cancer, familial, susceptibility to, 1 (BROVCA1). Also called: BRCA1 Hereditary Breast and Ovarian Cancer; OVARIAN CANCER, SUSCEPTIBILITY TO. Identifiers: Orphanet 145, MedGen C2676676, MONDO:0011450, OMIM 604370. Disease mechanism: loss of function.
Hereditary breast ovarian cancer syndrome. Also called: Hereditary breast and ovarian cancer; Hereditary breast and ovarian cancer syndrome; Hereditary breast and ovarian cancer syndrome (HBOC); Breast and ovarian cancer; BRCA1- and BRCA2-Associated Hereditary Breast and Ovarian Cancer; Hereditary breast and/or ovarian cancer syndrome. Identifiers: Orphanet 145, MedGen C0677776, MeSH D061325, MONDO:0003582. Disease mechanism: loss of function.

Submissions (3):

Baylor Genetics
Classification: Likely pathogenic for Breast-ovarian cancer, familial, susceptibility to, 1. Last evaluated: 2022-01-21. Review status: criteria provided, single submitter. Criteria: ACMG Guidelines, 2015. Collection method: clinical testing. Allele origin: unknown.

Labcorp Genetics (formerly Invitae), Labcorp
Classification: Pathogenic for Hereditary breast ovarian cancer syndrome. Last evaluated: 2021-04-11. Review status: criteria provided, single submitter. Criteria: Invitae Variant Classification Sherloc (09022015). Collection method: clinical testing. Allele origin: germline.
Comment: This sequence change creates a premature translational stop signal (p.His399Thrfs*2) in the BRCA1 gene. It is expected to result in an absent or disrupted protein product. Loss-of-function variants in BRCA1 are known to be pathogenic (PMID: 20104584). For these reasons, this variant has been classified as Pathogenic. This variant has not been reported in the literature in individuals with BRCA1-related conditions. ClinVar contains an entry for this variant (Variation ID: 545825). This variant is not present in population databases (ExAC no frequency).

GeneDx
Classification: Pathogenic. Last evaluated: 2017-09-18. Review status: criteria provided, single submitter. Criteria: GeneDx Variant Classification (06012015). Collection method: clinical testing. Allele origin: germline. Affected: yes.
Comment: This duplication of one nucleotide in BRCA1 is denoted c.1194dupA at the cDNA level and p.His399ThrfsX2 (H399TfsX2) at the protein level. The normal sequence, with the base that is duplicated in brackets, is ACTC[dupA]CATG. The duplication causes a frameshift which changes a Histidine to a Threonine at codon 399, and creates a premature stop codon at position 2 of the new reading frame. Although this variant has not, to our knowledge, been reported in the literature, it is predicted to cause loss of normal protein function through either protein truncation or nonsense-mediated mRNA decay. We consider this variant to be pathogenic.

Literature cited by the submitters: PubMed 20104584 (cited by Labcorp Genetics (formerly Invitae), Labcorp).

NM_007294.4(BRCA1):c.1194dup (p.His399fs)

Gene: BRCA1 (BRCA1 DNA repair associated; minus strand). Cytogenetic location: 17q21.31.
Variant type: Duplication.
Coding change: c.1194dup on transcript NM_007294.4 (MANE Select); coding-DNA position 1194, one base duplicated (A; older notation c.1194dupA).
Protein change: p.His399fs; shifts the reading frame from histidine 399.
Molecular consequence: frameshift variant. On other transcripts: intron variant (137).
Genome position (GRCh38, 1-based): chr17:43,094,337, T duplicated on the plus strand (A on the coding strand, the reverse complement: BRCA1 is on the minus strand). VCF-style (leftmost placement, unchanged base first): chr17-43094336-G-GT. GRCh37 (hg19) VCF-style: chr17-41246353-G-GT.
Other names: c.1194dupA (NM_007294.3); c.520+407dup (NM_001408503.1, NM_001408505.1, NM_001408504.1); c.523+407dup (NM_001408500.1, NM_001408497.1, NM_001408496.1 and 3 more transcripts); c.646+407dup (NM_001408466.1, NM_001408452.1, NM_001408457.1 and 11 more transcripts); c.787+407dup (NM_001407973.1, NM_001408403.1, NM_001407983.1 and 19 more transcripts); c.404-3305dup (NM_001408511.1); c.460+1509dup (NM_001408507.1, NM_001408506.1); c.545-3305dup (NM_001408495.1); and 41 more; short protein forms H399fs, H352fs, H328fs, H357fs, H310fs, H332fs, H358fs, H373fs.
Identifiers: ClinVar variation 545825 (VCV000545825.10), dbSNP rs1555592264, ClinGen allele CA658824535.
Genomic context (GRCh38, chr17:43,094,336, plus strand): 5'-CCTCATTTAGAACGTCCAATACATCAGCTACTTTGGCATTTGATTCAGACTCCCCATCAT[G>GT]TGAGTCATCAGAACCTAACAGTTCATCACTTCTGGAAAACCACTCATTAACTTTCTGAAT-3'